The following is an entry in ClinVar:

ClinVar aggregate classification (germline): Uncertain significance (1 of 4 stars; one submission).

Conditions:
Ataxia-telangiectasia syndrome (AT). Also called: Cerebello-oculocutaneous telangiectasia; Immunodeficiency with ataxia telangiectasia; AT, COMPLEMENTATION GROUP C; Ataxia-telangiectasia, complementation group E; LOUIS-BAR SYNDROME; ATAXIA-TELANGIECTASIA, COMPLEMENTATION GROUP A. Identifiers: Orphanet 100, MedGen C0004135, MONDO:0008840, OMIM 208900.

Submission:

Labcorp Genetics (formerly Invitae), Labcorp
Classification: Uncertain significance for Ataxia-telangiectasia syndrome. Last evaluated: 2026-01-28. Review status: criteria provided, single submitter. Criteria: Invitae Variant Classification Sherloc (09022015). Collection method: clinical testing. Allele origin: germline.
Comment: This sequence change replaces leucine, which is neutral and non-polar, with proline, which is neutral and non-polar, at codon 846 of the ATM protein (p.Leu846Pro). This variant is not present in population databases (gnomAD no frequency). This variant has not been reported in the literature in individuals affected with ATM-related conditions. ClinVar contains an entry for this variant (Variation ID: 1366806). Invitae Evidence Modeling of protein sequence and biophysical properties (such as structural, functional, and spatial information, amino acid conservation, physicochemical variation, residue mobility, and thermodynamic stability) indicates that this missense variant is not expected to disrupt ATM protein function with a negative predictive value of 95%. In summary, the available evidence is currently insufficient to determine the role of this variant in disease. Therefore, it has been classified as a Variant of Uncertain Significance.

NM_000051.4(ATM):c.2537T>C (p.Leu846Pro)

Gene: ATM (ATM serine/threonine kinase; plus strand). Cytogenetic location: 11q22.3.
Variant type: single nucleotide variant.
Coding change: c.2537T>C on transcript NM_000051.4 (MANE Select); coding-DNA position 2537, T replaced by C.
Protein change: p.Leu846Pro; replaces leucine 846 with proline.
Molecular consequence: missense variant.
Genome position (GRCh38, 1-based): chr11:108,267,241, T>C. VCF-style: chr11-108267241-T-C. GRCh37 (hg19) VCF-style: chr11-108137968-T-C.
Other names: c.2537T>C, p.Leu846Pro (NM_001351834.2); short protein forms L846P.
Identifiers: ClinVar variation 1366806 (VCV001366806.6), dbSNP rs2135507057, ClinGen allele CA382543590.
Genomic context (GRCh38, chr11:108,267,241, plus strand): 5'-TCAAAAAGCCATTTGACCGTGGAGAAGTAGAATCAATGGAAGATGATACTAATGGAAATC[T>C]AATGGAGGTGGAGGATCAGTCATCCATGAATCTATTTAACGATTACCCTGATAGTAGTGT-3'
Protein context (NP_000042.3, residues 836-856): ESMEDDTNGN[Leu846Pro]MEVEDQSSMN